The following is an entry in ClinVar:

ClinVar aggregate classification (germline): Pathogenic (1 of 4 stars; one submission).

Conditions:
Arrhythmogenic right ventricular dysplasia 8 (ARVD8). Also called: Arrhythmogenic Right Ventricular Dysplasia/Cardiomyopathy 8; ARRHYTHMOGENIC RIGHT VENTRICULAR DYSPLASIA, FAMILIAL, 8; ARRHYTHMOGENIC RIGHT VENTRICULAR CARDIOMYOPATHY 8. Identifiers: MedGen C1843896, MONDO:0011831, OMIM 607450.
Arrhythmogenic cardiomyopathy with wooly hair and keratoderma. Also called: PALMOPLANTAR KERATODERMA WITH LEFT VENTRICULAR CARDIOMYOPATHY AND WOOLLY HAIR; Carvajal syndrome; Arrhythmogenic cardiomyopathy with woolly hair and keratoderma; Dilated cardiomyopathy with woolly hair and keratoderma. Identifiers: Orphanet 65282, MedGen C1854063, MONDO:0011581, OMIM 605676.

Submission:

Labcorp Genetics (formerly Invitae), Labcorp
Classification: Pathogenic for Arrhythmogenic cardiomyopathy with wooly hair and keratoderma; Arrhythmogenic right ventricular dysplasia 8. Last evaluated: 2024-07-27. Review status: criteria provided, single submitter. Criteria: Invitae Variant Classification Sherloc (09022015). Collection method: clinical testing. Allele origin: germline.
Comment: This sequence change creates a premature translational stop signal (p.Tyr968*) in the DSP gene. It is expected to result in an absent or disrupted protein product. Loss-of-function variants in DSP are known to be pathogenic (PMID: 20716751, 24503780, 25227139). This variant is not present in population databases (gnomAD no frequency). This premature translational stop signal has been observed in individual(s) with arrhythmogenic right ventricular cardiomyopathy (PMID: 35653365). ClinVar contains an entry for this variant (Variation ID: 1073940). For these reasons, this variant has been classified as Pathogenic.

Literature cited by the submitters: PubMed 20716751; PubMed 24503780; PubMed 25227139; PubMed 35653365.

NM_004415.4(DSP):c.2903dup (p.Tyr968Ter)

Gene: DSP (desmoplakin; plus strand). Cytogenetic location: 6p24.3.
Variant type: Duplication.
Coding change: c.2903dup on transcript NM_004415.4 (MANE Select); coding-DNA position 2903, one base duplicated (A; older notation c.2903dupA).
Protein change: p.Tyr968Ter; replaces tyrosine 968 with a stop codon.
Molecular consequence: nonsense.
Genome position (GRCh38, 1-based): chr6:7,577,804, A duplicated. VCF-style (leftmost placement, unchanged base first): chr6-7577803-T-TA. GRCh37 (hg19) VCF-style: chr6-7578036-T-TA.
Other names: c.2903dup, p.Tyr968Ter (NM_001008844.3, NM_001319034.2); short protein forms Y968*.
Identifiers: ClinVar variation 1073940 (VCV001073940.7), dbSNP rs2113688911, ClinGen allele CA2499218547.